The following is an entry in ClinVar:

NM_004035.7(ACOX1):c.737G>A (p.Arg246His)

Gene: ACOX1 (acyl-CoA oxidase 1; minus strand). Cytogenetic location: 17q25.1.
Variant type: single nucleotide variant.
Coding change: c.737G>A on transcript NM_004035.7 (MANE Select); coding-DNA position 737, G replaced by A.
Protein change: p.Arg246His; replaces arginine 246 with histidine.
Molecular consequence: missense variant.
Genome position (GRCh38, 1-based): chr17:75,955,603, C>T on the plus strand (G>A on the coding strand, the complement: ACOX1 is on the minus strand). VCF-style: chr17-75955603-C-T. GRCh37 (hg19) VCF-style: chr17-73951684-C-T.
Other names: c.623G>A, p.Arg208His (NM_001185039.2); c.737G>A, p.Arg246His (NM_007292.6); short protein forms R246H, R208H.
Identifiers: ClinVar variation 888589 (VCV000888589.7), dbSNP rs1392899105, ClinGen allele CA401067495.

ClinVar aggregate classification (germline): Uncertain significance. Review status: criteria provided, multiple submitters, no conflicts (2 of 4 stars). 3 submissions from 3 submitters: Uncertain significance (3). Last evaluated 2025-11-15.

Conditions:
Acyl-CoA oxidase deficiency. Also called: STRAIGHT-CHAIN ACYL-CoA OXIDASE DEFICIENCY; Pseudoneonatal adrenoleukodystrophy; Peroxisomal acyl-CoA oxidase deficiency. Identifiers: Orphanet 2971, MedGen C1849678, MONDO:0009919, OMIM 264470. Disease mechanism: loss of function.
Inborn genetic diseases. Identifiers: MedGen C0950123, MeSH D030342.

Allele frequency attached by ClinVar (database versions not stated): gnomAD 0.00001; gnomAD exomes 0.00001 and 0.00002; TOPMed 0.00002.

Submissions (3):

Labcorp Genetics (formerly Invitae), Labcorp
Classification: Uncertain significance for Acyl-CoA oxidase deficiency. Last evaluated: 2025-11-15. Review status: criteria provided, single submitter. Criteria: Invitae Variant Classification Sherloc (09022015). Collection method: clinical testing. Allele origin: germline.
Comment: This sequence change replaces arginine, which is basic and polar, with histidine, which is basic and polar, at codon 246 of the ACOX1 protein (p.Arg246His). This variant is present in population databases (no rsID available, gnomAD 0.002%). This variant has not been reported in the literature in individuals affected with ACOX1-related conditions. ClinVar contains an entry for this variant (Variation ID: 888589). Invitae Evidence Modeling of protein sequence and biophysical properties (such as structural, functional, and spatial information, amino acid conservation, physicochemical variation, residue mobility, and thermodynamic stability) indicates that this missense variant is not expected to disrupt ACOX1 protein function with a negative predictive value of 80%. In summary, the available evidence is currently insufficient to determine the role of this variant in disease. Therefore, it has been classified as a Variant of Uncertain Significance.

Ambry Genetics
Classification: Uncertain significance for Inborn genetic diseases. Last evaluated: 2022-05-09. Review status: criteria provided, single submitter. Criteria: Ambry Variant Classification Scheme 2023. Collection method: clinical testing. Allele origin: germline.

Illumina Laboratory Services, Illumina
Classification: Uncertain significance for Acyl-CoA oxidase deficiency. Last evaluated: 2018-01-12. Review status: criteria provided, single submitter. Criteria: ICSL Variant Classification Criteria 13 December 2019. Collection method: clinical testing. Allele origin: germline.